The following is an entry in ClinVar:

ClinVar aggregate classification (germline): Conflicting classifications of pathogenicity. Review status: criteria provided, conflicting classifications (1 of 4 stars). 2 submissions from 2 submitters: Uncertain significance (1); Benign (1). Last evaluated 2026-04-28.

Conditions:
Colorectal cancer, susceptibility to, 1. Also called: COLORECTAL ADENOMA AND CANCER, SUSCEPTIBILITY TO; COLORECTAL CANCER, SUSCEPTIBILITY TO, ON CHROMOSOME 9. Identifiers: MedGen C1837315, MONDO:0012132, OMIM 608812.

Submissions (2):

Myriad Genetics, Inc.
Classification: Benign for Colorectal cancer, susceptibility to, 1. Last evaluated: 2026-04-28. Review status: criteria provided, single submitter. Criteria: Myriad Autosomal Dominant, Autosomal Recessive and X-Linked Classification Criteria (2023). Collection method: clinical testing. Allele origin: unknown.
Comment: This variant is considered benign. This variant occurs in the non-coding 3' untranslated region of the gene, and is not expected to impact protein function.

Quest Diagnostics Nichols Institute San Juan Capistrano
Classification: Uncertain significance. Last evaluated: 2023-11-08. Review status: criteria provided, single submitter. Criteria: Quest Diagnostics criteria. Collection method: clinical testing. Allele origin: unknown.
Comment: The GALNT12 c.*10T>C variant has not been reported in individuals with GALNT12-related conditions in the published literature. It also has not been reported in large, multi-ethnic general populations (Genome Aggregation Database). Based on the available information, we are unable to determine the clinical significance of this variant.

NM_024642.5(GALNT12):c.*10T>C

Gene: GALNT12 (polypeptide N-acetylgalactosaminyltransferase 12; plus strand). Cytogenetic location: 9q22.33.
Variant type: single nucleotide variant.
Coding change: c.*10T>C on transcript NM_024642.5 (MANE Select); 10 bases downstream of the stop codon, T replaced by C.
Molecular consequence: 3 prime UTR variant.
Genome position (GRCh38, 1-based): chr9:98,849,102, T>C. VCF-style: chr9-98849102-T-C. GRCh37 (hg19) VCF-style: chr9-101611384-T-C.
Identifiers: ClinVar variation 3572309 (VCV003572309.2).